The following is an entry in ClinVar:

ClinVar aggregate classification (germline): Pathogenic (1 of 4 stars; one submission).

Submission:

Quest Diagnostics Nichols Institute San Juan Capistrano
Classification: Pathogenic. Last evaluated: 2024-09-24. Review status: criteria provided, single submitter. Criteria: ACMG/ClinGen CNV Guidelines, 2019. Collection method: clinical testing. Allele origin: unknown.
Comment: This duplication involves at least 69 protein-coding genes, including NR0B1 (OMIM 300473). Duplications of a 160 kb critical region within this interval are associated with XY gonadal dysgenesis and are often inherited from unaffected carrier mothers (ISCA 46302; Barbaro 2012, Ledig 2010, Mohnach 2022, White 2011). Individuals with an XX sex chromosome complement who have duplications in this region are typically unaffected, although may present with some milder phenotypes (Mohnach 2022, Sismali 2011, Thorson 2010). Duplications either contained within or partially overlapping with the current interval have been reported in males with variable phenotypic features, and some females were found to be mildly affected (Madrigal 2007, Matsumoto 2013, Piccione 2011, Poeta 2022, Sismani 2011, Tejada 2011, Thorson 2010, Tzschach 2008, Uliana 2019, Whibley 2010, Whitehead 2016). There are no similar copy number gains of this region in the general populations of the Database of Genomic Variants. Therefore, this copy number variant (CNV) is classified as pathogenic. Clinical presentation of this finding in a female is typically dependent upon X-inactivation status. References: Barbaro et al., Int J Endocrinol. 2012;2012:504904. PMID: 22518125 Ledig et al., Hum Reprod. 2010 Oct;25(10):2637-46. PMID: 20685758 Madrigal et al., BMC Genomics. 2007 Nov 29;8:443. PMID: 18047645 Matsumoto et al., J Hum Genet. 2013 Nov;58(11):755-7. PMID: 23985797 Mohnach et al., GeneReviews. 2022 Aug 18. PMID: 20301714 Piccione et al., J Genet. 2011 Dec;90(3):473-7. PMID: 22227935 Poeta et al., Int J Mol Sci. 2022 Mar 13;23(6):3084. PMID: 35328505 Sismani et al., Eur J Med Genet. 2011 Sep-Oct;54(5):e510-5. PMID: 21684358 Tejada et al., Pediatrics. 2011 Oct;128(4):e1029-33. PMID: 21930553 Thorson et al., Am J Med Genet A. 2010 Apr;152A(4):904-15. PMID: 20358600 Tzschach et al., Am J Med Genet A. 2008 Jan 15;146A(2):197-203. PMID: 18076117 Uliana et al., J Genet. 2019 Mar;98:10. PMID: 30945684 Whibley et al., Am J Hum Genet. 2010 Aug 13;87(2):173-88. PMID: 20655035 White et al., PLoS One. 2011 Mar 7;6(3):e17793. PMID: 21408189 Whitehead et al., J Radiol Case Rep. 2016 May 31;10(5):9-14. PMID: 27761175

GRCh37/hg19 Xp22.2-21.1(chrX:16586960-35065946)x3

Genes: ACOT9 (acyl-CoA thioesterase 9; minus strand), ADGRG2 (adhesion G protein-coupled receptor G2; minus strand), APOO (apolipoprotein O; minus strand), ARX (aristaless related homeobox; minus strand), BCLAF3 (BCLAF1 and THRAP3 family member 3; minus strand) and 62 more. Cytogenetic location: Xp22.2-21.1.
Variant type: copy number gain.
Change: copy number 3 of chrX:16,586,960-35,065,946 (18.48 Mb, GRCh37 coordinates, 1-based), cytogenetic band Xp22.2-21.1.
Identifiers: ClinVar variation 4683034 (VCV004683034.1).